The following is an entry in ClinVar:

ClinVar aggregate classification (germline): Pathogenic (1 of 4 stars; one submission).

Submission:

GeneDx
Classification: Pathogenic. Last evaluated: 2022-05-24. Review status: criteria provided, single submitter. Criteria: GeneDx Variant Classification Process June 2021. Collection method: clinical testing. Allele origin: germline. Affected: yes.
Comment: Canonical splice site variant predicted to result in a null allele in a gene for which loss of function is a known mechanism of disease; Not observed at significant frequency in large population cohorts (gnomAD); This variant is associated with the following publications: (PMID: 26192461)

NM_024596.5(MCPH1):c.322-2A>T

Gene: MCPH1 (microcephalin 1; plus strand). Cytogenetic location: 8p23.1.
Variant type: single nucleotide variant.
Coding change: c.322-2A>T on transcript NM_024596.5 (MANE Select); the canonical splice acceptor site of the intron before coding-DNA position 322, A replaced by T.
Molecular consequence: splice acceptor variant.
Genome position (GRCh38, 1-based): chr8:6,436,046, A>T. VCF-style: chr8-6436046-A-T. GRCh37 (hg19) VCF-style: chr8-6293567-A-T.
Other names: c.322-2A>T (NM_001322042.2, NM_001363980.2, NM_001363979.1 and 4 more transcripts); c.316-2A>T (NM_001322043.2); c.220-2A>T (NM_001322045.2).
Identifiers: ClinVar variation 1800940 (VCV001800940.1), dbSNP rs2486025277, ClinGen allele CA370217367.